The following is an entry in ClinVar:

ClinVar aggregate classification (germline): Benign. Review status: criteria provided, multiple submitters, no conflicts (2 of 4 stars). 3 submissions from 3 submitters: Benign (2). 1 of the submissions does not count toward it. Last evaluated 2018-09-11.

Conditions:
NCOR1-related disorder. Also called: NCOR1-related condition.

Allele frequency attached by ClinVar (database versions not stated): gnomAD 0.00388; ESP Exome Variant Server 0.00492; 1000 Genomes Project 0.00399; TOPMed 0.00410; 1000 Genomes Project 30x 0.00453.
gnomAD v4.1: 1,125 of 1,605,118 alleles (0.07%); highest among the groups gnomAD compares: African/African-American, 1.2%; 6 homozygotes.

Submissions (3):

Labcorp Genetics (formerly Invitae), Labcorp
Classification: Benign. Last evaluated: 2018-09-11. Review status: criteria provided, single submitter. Criteria: Invitae Variant Classification Sherloc (09022015). Collection method: clinical testing. Allele origin: germline.

Breakthrough Genomics
Classification: Benign. Review status: criteria provided, single submitter. Criteria: ACMG Guidelines, 2015. Collection method: not provided. Allele origin: germline. Inheritance: Unknown mechanism. Affected: yes.

PreventionGenetics, part of Exact Sciences
Classification: Benign for NCOR1-related condition. Last evaluated: 2019-05-20. Review status: no assertion criteria provided. Collection method: clinical testing. Allele origin: germline. Not counted in ClinVar's aggregate classification.
Comment: This variant is classified as benign based on ACMG/AMP sequence variant interpretation guidelines (Richards et al. 2015 PMID: 25741868, with internal and published modifications).

NM_006311.4(NCOR1):c.6396G>A (p.Arg2132=)

Gene: NCOR1 (nuclear receptor corepressor 1; minus strand). Cytogenetic location: 17p12.
Variant type: single nucleotide variant.
Coding change: c.6396G>A on transcript NM_006311.4 (MANE Select); coding-DNA position 6396, G replaced by A.
Protein change: p.Arg2132=; no amino-acid change (arginine 2132 retained).
Molecular consequence: synonymous variant.
Genome position (GRCh38, 1-based): chr17:16,048,985, C>T on the plus strand (G>A on the coding strand, the complement: NCOR1 is on the minus strand). VCF-style: chr17-16048985-C-T. GRCh37 (hg19) VCF-style: chr17-15952299-C-T.
Other names: c.6087G>A, p.Arg2029= (NM_001190440.2).
Identifiers: ClinVar variation 784667 (VCV000784667.6), dbSNP rs115005688, ClinGen allele CA8408042.